The following is an entry in ClinVar:

ClinVar aggregate classification (germline): Uncertain significance (1 of 4 stars; one submission).

Submission:

GeneDx
Classification: Uncertain significance. Last evaluated: 2025-01-21. Review status: criteria provided, single submitter. Criteria: GeneDx Variant Classification Process June 2021. Collection method: clinical testing. Allele origin: germline. Affected: yes.
Comment: Not observed at significant frequency in large population cohorts (gnomAD); In silico analysis supports a deleterious effect on splicing; Has not been previously published as pathogenic or benign to our knowledge

NM_001846.4(COL4A2):c.477+5G>A

Gene: COL4A2 (collagen type IV alpha 2 chain; plus strand). Cytogenetic location: 13q34.
Variant type: single nucleotide variant.
Coding change: c.477+5G>A on transcript NM_001846.4 (MANE Select); 5 bases into the intron after coding-DNA position 477, G replaced by A.
Molecular consequence: intron variant.
Genome position (GRCh38, 1-based): chr13:110,428,588, G>A. VCF-style: chr13-110428588-G-A. GRCh37 (hg19) VCF-style: chr13-111080935-G-A.
Identifiers: ClinVar variation 4070899 (VCV004070899.1).